The following is an entry in ClinVar:

ClinVar aggregate classification (germline): Uncertain significance (1 of 4 stars; one submission).

Conditions:
Gastrointestinal stromal tumor. Also called: Gastrointestinal stromal tumor, somatic; Gastrointestinal stroma tumor. Identifiers: Orphanet 44890, MedGen C0238198, MeSH D046152, MONDO:0011719, OMIM 606764, HP:0100723.

Allele frequency attached by ClinVar (database versions not stated): gnomAD exomes below 0.00001.
gnomAD v4.1: 1 of 1,614,166 alleles (0.000062%); highest among the groups gnomAD compares: Non-Finnish European, 0.000085%; no homozygotes.

Submission:

Labcorp Genetics (formerly Invitae), Labcorp
Classification: Uncertain significance for Gastrointestinal stromal tumor. Last evaluated: 2019-10-13. Review status: criteria provided, single submitter. Criteria: Invitae Variant Classification Sherloc (09022015). Collection method: clinical testing. Allele origin: germline.
Comment: In summary, the available evidence is currently insufficient to determine the role of this variant in disease. Therefore, it has been classified as a Variant of Uncertain Significance. Algorithms developed to predict the effect of missense changes on protein structure and function (SIFT, PolyPhen-2, Align-GVGD) all suggest that this variant is likely to be tolerated, but these predictions have not been confirmed by published functional studies and their clinical significance is uncertain. This variant has not been reported in the literature in individuals with KIT-related conditions. This variant is not present in population databases (ExAC no frequency). This sequence change replaces proline with leucine at codon 166 of the KIT protein (p.Pro166Leu). The proline residue is moderately conserved and there is a moderate physicochemical difference between proline and leucine.

NM_000222.3(KIT):c.497C>T (p.Pro166Leu)

Gene: KIT (KIT proto-oncogene, receptor tyrosine kinase; plus strand). Cytogenetic location: 4q12.
Variant type: single nucleotide variant.
Coding change: c.497C>T on transcript NM_000222.3 (MANE Select); coding-DNA position 497, C replaced by T.
Protein change: p.Pro166Leu; replaces proline 166 with leucine.
Molecular consequence: missense variant.
Genome position (GRCh38, 1-based): chr4:54,698,443, C>T. VCF-style: chr4-54698443-C-T. GRCh37 (hg19) VCF-style: chr4-55564609-C-T.
Other names: c.497C>T, p.Pro166Leu (NM_001093772.2, NM_001385284.1, NM_001385285.1 and 4 more transcripts); short protein forms P166L.
Identifiers: ClinVar variation 970891 (VCV000970891.10), dbSNP rs1720230405, ClinGen allele CA356897716.